The following is an entry in ClinVar:

ClinVar aggregate classification (germline): Uncertain significance (1 of 4 stars; one submission).

Conditions:
Pancreatic adenocarcinoma. Identifiers: MedGen C0281361, MONDO:0006047, HP:0006725.

Submission:

Labcorp Genetics (formerly Invitae), Labcorp
Classification: Uncertain significance for Pancreatic adenocarcinoma. Last evaluated: 2023-01-09. Review status: criteria provided, single submitter. Criteria: Invitae Variant Classification Sherloc (09022015). Collection method: clinical testing. Allele origin: germline.
Comment: Algorithms developed to predict the effect of missense changes on protein structure and function are either unavailable or do not agree on the potential impact of this missense change (SIFT: "Deleterious"; PolyPhen-2: "Benign"; Align-GVGD: "Class C0"). In summary, the available evidence is currently insufficient to determine the role of this variant in disease. Therefore, it has been classified as a Variant of Uncertain Significance. This variant has not been reported in the literature in individuals affected with PALLD-related conditions. This variant is not present in population databases (gnomAD no frequency). This sequence change replaces lysine, which is basic and polar, with asparagine, which is neutral and polar, at codon 629 of the PALLD protein (p.Lys629Asn).

NM_001166108.2(PALLD):c.*73A>T

Genes: CBR4 (carbonyl reductase 4; minus strand), PALLD (palladin, cytoskeletal associated protein; plus strand). Cytogenetic location: 4q32.3.
Variant type: single nucleotide variant.
Coding change: c.*73A>T on transcript NM_001166108.2 (MANE Select); 73 bases downstream of the stop codon, A replaced by T.
Molecular consequence: 3 prime UTR variant. On other transcripts: missense variant (4).
Genome position (GRCh38, 1-based): chr4:168,926,253, A>T. VCF-style: chr4-168926253-A-T. GRCh37 (hg19) VCF-style: chr4-169847404-A-T.
Other names: c.2202A>T, p.Lys734Asn (NM_001166109.2); c.1887A>T, p.Lys629Asn (NM_001166110.2); c.*73A>T (NM_001367567.1, NM_001367570.1, NM_016081.4); c.1278A>T, p.Lys426Asn (NM_001367568.1); c.1227A>T, p.Lys409Asn (NM_001367569.1); short protein forms K409N, K629N, K426N, K734N.
Identifiers: ClinVar variation 2827343 (VCV002827343.3), dbSNP rs2534296238, ClinGen allele CA358715808.